The following is an entry in ClinVar:

NM_000540.3(RYR1):c.6797-10G>A

Gene: RYR1 (ryanodine receptor 1; plus strand). Cytogenetic location: 19q13.2.
Variant type: single nucleotide variant.
Coding change: c.6797-10G>A on transcript NM_000540.3 (MANE Select); 10 bases into the intron before coding-DNA position 6797, G replaced by A.
Molecular consequence: intron variant.
Genome position (GRCh38, 1-based): chr19:38,496,850, G>A. VCF-style: chr19-38496850-G-A. GRCh37 (hg19) VCF-style: chr19-38987490-G-A.
Other names: c.6797-10G>A (NM_001042723.2).
Identifiers: ClinVar variation 701219 (VCV000701219.14), dbSNP rs373459426, ClinGen allele CA068728.

ClinVar aggregate classification (germline): Likely benign. Review status: criteria provided, multiple submitters, no conflicts (2 of 4 stars). 3 submissions from 3 submitters: Likely benign (2). 1 of the submissions does not count toward it. Last evaluated 2025-11-24.

Conditions:
Malignant hyperthermia, susceptibility to, 1 (MHS1). Also called: Anesthesia related hyperthermia; Malignant hyperpyrexia; Fulminating hyperpyrexia; Pharmacogenic myopathy; Malignant hyperthermia suceptibility 1; RYR1-Related Malignant Hyperthermia Susceptibility. Identifiers: Orphanet 423, MedGen C2930980, MONDO:0007783, OMIM 145600.
RYR1-related disorder. Also called: RYR1-related condition; RYR1-related disorders. Identifiers: MedGen CN239331.

Allele frequency attached by ClinVar (database versions not stated): TOPMed 0.00002; gnomAD 0.00003 and 0.00004; gnomAD exomes 0.00007 and 0.00014; ESP Exome Variant Server 0.00008; ExAC 0.00015.
gnomAD v4.1: 115 of 1,609,272 alleles (0.0071%); highest among the groups gnomAD compares: South Asian, 0.09%; 1 homozygote.

Submissions (3):

Labcorp Genetics (formerly Invitae), Labcorp
Classification: Likely benign for RYR1-related disorder. Last evaluated: 2025-11-24. Review status: criteria provided, single submitter. Criteria: Invitae Variant Classification Sherloc (09022015). Collection method: clinical testing. Allele origin: germline.

Color Diagnostics, LLC DBA Color Health
Classification: Likely benign for Malignant hyperthermia, susceptibility to, 1. Last evaluated: 2022-10-20. Review status: criteria provided, single submitter. Criteria: ACMG Guidelines, 2015. Collection method: clinical testing. Allele origin: germline.

PreventionGenetics, part of Exact Sciences
Classification: Likely benign for RYR1-related condition. Last evaluated: 2023-12-27. Review status: no assertion criteria provided. Collection method: clinical testing. Allele origin: germline. Not counted in ClinVar's aggregate classification.
Comment: This variant is classified as likely benign based on ACMG/AMP sequence variant interpretation guidelines (Richards et al. 2015 PMID: 25741868, with internal and published modifications).